The following is an entry in ClinVar:

NM_021625.5(TRPV4):c.1427T>C (p.Val476Ala)

Gene: TRPV4 (transient receptor potential cation channel subfamily V member 4; minus strand). Cytogenetic location: 12q24.11.
Variant type: single nucleotide variant.
Coding change: c.1427T>C on transcript NM_021625.5 (MANE Select); coding-DNA position 1427, T replaced by C.
Protein change: p.Val476Ala; replaces valine 476 with alanine.
Molecular consequence: missense variant.
Genome position (GRCh38, 1-based): chr12:109,794,393, A>G on the plus strand (T>C on the coding strand, the complement: TRPV4 is on the minus strand). VCF-style: chr12-109794393-A-G. GRCh37 (hg19) VCF-style: chr12-110232198-A-G.
Other names: c.1286T>C, p.Val429Ala (NM_001177428.2); c.1325T>C, p.Val442Ala (NM_001177431.2); c.1106T>C, p.Val369Ala (NM_001177433.2); c.1247T>C, p.Val416Ala (NM_147204.3); short protein forms V429A, V442A, V476A, V369A, V416A.
Identifiers: ClinVar variation 1772406 (VCV001772406.2), dbSNP rs2548732053, ClinGen allele CA386653004.

ClinVar aggregate classification (germline): Uncertain significance (1 of 4 stars; one submission).

Conditions:
Inborn genetic diseases. Identifiers: MedGen C0950123, MeSH D030342.

Submission:

Ambry Genetics
Classification: Uncertain significance for Inborn genetic diseases. Last evaluated: 2020-03-20. Review status: criteria provided, single submitter. Criteria: Ambry Variant Classification Scheme 2023. Collection method: clinical testing. Allele origin: germline.
Comment: The p.V476A variant (also known as c.1427T>C), located in coding exon 7 of the TRPV4 gene, results from a T to C substitution at nucleotide position 1427. The valine at codon 476 is replaced by alanine, an amino acid with similar properties. This amino acid position is not well conserved in available vertebrate species. In addition, this alteration is predicted to be tolerated by in silico analysis. Since supporting evidence is limited at this time, the clinical significance of this alteration remains unclear.